The following is an entry in ClinVar:

ClinVar aggregate classification (germline): Benign/Likely benign. Review status: criteria provided, multiple submitters, no conflicts (2 of 4 stars). 3 submissions from 3 submitters: Benign (1); Likely benign (2). Last evaluated 2026-01-13.

Conditions:
Hereditary cancer-predisposing syndrome. Also called: Neoplastic Syndromes, Hereditary; Hereditary neoplastic syndrome; Tumor predisposition; Hereditary Cancer Syndrome. Identifiers: Orphanet 140162, MedGen C0027672, MeSH D009386, MONDO:0015356.
Papillary renal cell carcinoma type 1 (RCCP1). Also called: RENAL CELL CARCINOMA, PAPILLARY, 1, SOMATIC; Renal adenocarcinoma; Renal cell carcinoma 1; Renal cell carcinoma, somatic. Identifiers: Orphanet 47044, MedGen C1336839, OMIM 605074, HP:0011797.
Renal cell carcinoma. Identifiers: Orphanet 217071, MedGen C0007134, MeSH D002292, MONDO:0005086, HP:0005584.

Allele frequency attached by ClinVar (database versions not stated): TOPMed below 0.00001; gnomAD exomes 0.00001.
gnomAD v4.1: 11 of 1,614,190 alleles (0.00068%); highest among the groups gnomAD compares: Non-Finnish European, 0.00093%; no homozygotes.

Submissions (3):

Labcorp Genetics (formerly Invitae), Labcorp
Classification: Likely benign for Renal cell carcinoma. Last evaluated: 2026-01-13. Review status: criteria provided, single submitter. Criteria: Invitae Variant Classification Sherloc (09022015). Collection method: clinical testing. Allele origin: germline.

Myriad Genetics, Inc.
Classification: Benign for Papillary renal cell carcinoma type 1. Last evaluated: 2024-11-07. Review status: criteria provided, single submitter. Criteria: Myriad Autosomal Dominant, Autosomal Recessive and X-Linked Classification Criteria (2023). Collection method: clinical testing. Allele origin: unknown.
Comment: This variant is considered benign. This variant is a silent/synonymous amino acid change and it is not expected to impact splicing.

Ambry Genetics
Classification: Likely benign for Hereditary cancer-predisposing syndrome. Last evaluated: 2020-03-03. Review status: criteria provided, single submitter. Criteria: Ambry Variant Classification Scheme 2023. Collection method: clinical testing. Allele origin: germline.

NM_000245.4(MET):c.1455A>G (p.Pro485=)

Gene: MET (MET proto-oncogene, receptor tyrosine kinase; plus strand). Cytogenetic location: 7q31.2.
Variant type: single nucleotide variant.
Coding change: c.1455A>G on transcript NM_000245.4 (MANE Select); coding-DNA position 1455, A replaced by G.
Protein change: p.Pro485=; no amino-acid change (proline 485 retained).
Molecular consequence: synonymous variant.
Genome position (GRCh38, 1-based): chr7:116,740,012, A>G. VCF-style: chr7-116740012-A-G. GRCh37 (hg19) VCF-style: chr7-116380066-A-G.
Other names: c.1455A>G, p.Pro485= (NM_001127500.3, NM_001324401.3); c.165A>G, p.Pro55= (NM_001324402.2).
Identifiers: ClinVar variation 524906 (VCV000524906.13), dbSNP rs1554390925, ClinGen allele CA457215350.